The following is an entry in ClinVar:

NM_012434.5(SLC17A5):c.1259+3G>A

Gene: SLC17A5 (solute carrier family 17 member 5; minus strand). Cytogenetic location: 6q13.
Variant type: single nucleotide variant.
Coding change: c.1259+3G>A on transcript NM_012434.5 (MANE Select); 3 bases into the intron after coding-DNA position 1259, G replaced by A.
Molecular consequence: intron variant.
Genome position (GRCh38, 1-based): chr6:73,610,397, C>T on the plus strand (G>A on the coding strand, the complement: SLC17A5 is on the minus strand). VCF-style: chr6-73610397-C-T. GRCh37 (hg19) VCF-style: chr6-74320120-C-T.
Other names: c.941+3G>A (NM_001382636.1); c.1028+3G>A (NM_001382629.1); c.1172+3G>A (NM_001382632.1); c.1256+3G>A (NM_001382635.1); c.1100+3G>A (NM_001382634.1); c.1259+3G>A (NM_001382630.1, NM_001382633.1); c.1280+3G>A (NM_001382631.1).
Identifiers: ClinVar variation 2160384 (VCV002160384.1), dbSNP rs772663686, ClinGen allele CA3890317.

ClinVar aggregate classification (germline): Uncertain significance (1 of 4 stars; one submission).

Conditions:
Salla disease (SD). Also called: Less Severe FSASD (Salla Disease); Sialuria, Finnish type; N-acetylneuraminic acid (NANA) storage disease (NSD); Infantile sialic acid storage disorder (ISSD). Identifiers: Orphanet 309334, Orphanet 834, MedGen C1096903, MONDO:0011449, OMIM 604369.

Allele frequency attached by ClinVar (database versions not stated): gnomAD exomes 0.00001; TOPMed 0.00001; ExAC 0.00002.
gnomAD v4.1: 11 of 1,613,790 alleles (0.00068%); highest among the groups gnomAD compares: Non-Finnish European, 0.00025%; no homozygotes.

Submission:

Labcorp Genetics (formerly Invitae), Labcorp
Classification: Uncertain significance for Salla disease. Last evaluated: 2021-01-19. Review status: criteria provided, single submitter. Criteria: Invitae Variant Classification Sherloc (09022015). Collection method: clinical testing. Allele origin: germline.
Comment: This sequence change falls in intron 9 of the SLC17A5 gene. It does not directly change the encoded amino acid sequence of the SLC17A5 protein. It affects a nucleotide within the consensus splice site of the intron. This variant is present in population databases (rs772663686, ExAC 0.003%). This variant has not been reported in the literature in individuals with SLC17A5-related conditions. Nucleotide substitutions within the consensus splice site are a relatively common cause of aberrant splicing (PMID: 17576681, 9536098). Algorithms developed to predict the effect of sequence changes on RNA splicing suggest that this variant is not likely to affect RNA splicing, but this prediction has not been confirmed by published transcriptional studies. In summary, the available evidence is currently insufficient to determine the role of this variant in disease. Therefore, it has been classified as a Variant of Uncertain Significance.

Literature cited by the submitters: PubMed 17576681; PubMed 9536098.